The following is an entry in ClinVar:

NM_020699.4(GATAD2B):c.737G>T (p.Ser246Ile)

Gene: GATAD2B (GATA zinc finger domain containing 2B; minus strand). Cytogenetic location: 1q21.3.
Variant type: single nucleotide variant.
Coding change: c.737G>T on transcript NM_020699.4 (MANE Select); coding-DNA position 737, G replaced by T.
Protein change: p.Ser246Ile; replaces serine 246 with isoleucine.
Molecular consequence: missense variant.
Genome position (GRCh38, 1-based): chr1:153,817,535, C>A on the plus strand (G>T on the coding strand, the complement: GATAD2B is on the minus strand). VCF-style: chr1-153817535-C-A. GRCh37 (hg19) VCF-style: chr1-153790011-C-A.
Other names: c.737G>T (NM_020699.2); short protein forms S246I.
Identifiers: ClinVar variation 3010087 (VCV003010087.4), dbSNP rs1056350674, ClinGen allele CA30708813.

ClinVar aggregate classification (germline): Uncertain significance. Review status: criteria provided, multiple submitters, no conflicts (2 of 4 stars). 2 submissions from 2 submitters: Uncertain significance (2). Last evaluated 2024-10-15.

Conditions:
Inborn genetic diseases. Identifiers: MedGen C0950123, MeSH D030342.

Allele frequency attached by ClinVar (database versions not stated): TOPMed 0.00001; gnomAD 0.00002.
gnomAD v4.1: 5 of 1,594,212 alleles (0.00031%); highest among the groups gnomAD compares: African/African-American, 0.004%; no homozygotes.

Submissions (2):

Labcorp Genetics (formerly Invitae), Labcorp
Classification: Uncertain significance. Last evaluated: 2024-10-15. Review status: criteria provided, single submitter. Criteria: Invitae Variant Classification Sherloc (09022015). Collection method: clinical testing. Allele origin: germline.
Comment: This sequence change replaces serine, which is neutral and polar, with isoleucine, which is neutral and non-polar, at codon 246 of the GATAD2B protein (p.Ser246Ile). The frequency data for this variant in the population databases is considered unreliable, as metrics indicate poor data quality at this position in the gnomAD database. This variant has not been reported in the literature in individuals affected with GATAD2B-related conditions. Invitae Evidence Modeling of protein sequence and biophysical properties (such as structural, functional, and spatial information, amino acid conservation, physicochemical variation, residue mobility, and thermodynamic stability) indicates that this missense variant is not expected to disrupt GATAD2B protein function with a negative predictive value of 80%. In summary, the available evidence is currently insufficient to determine the role of this variant in disease. Therefore, it has been classified as a Variant of Uncertain Significance.

Ambry Genetics
Classification: Uncertain significance for Inborn genetic diseases. Last evaluated: 2024-07-14. Review status: criteria provided, single submitter. Criteria: Ambry Variant Classification Scheme 2023. Collection method: clinical testing. Allele origin: germline.